The following is an entry in ClinVar:

ClinVar aggregate classification (germline): Uncertain significance (1 of 4 stars; one submission).

Conditions:
Immunodeficiency due to CD25 deficiency. Also called: IL2RA DEFICIENCY; CD25 DEFICIENCY; IMMUNODEFICIENCY 41 WITH LYMPHOPROLIFERATION AND AUTOIMMUNITY. Identifiers: Orphanet 169100, MedGen C1853392, MONDO:0011664, OMIM 606367.

Allele frequency attached by ClinVar (database versions not stated): ExAC 0.00001; gnomAD exomes 0.00001; gnomAD 0.00002; TOPMed 0.00002.
gnomAD v4.1: 24 of 1,610,826 alleles (0.0015%); highest among the groups gnomAD compares: African/African-American, 0.0027%; no homozygotes.

Submission:

Labcorp Genetics (formerly Invitae), Labcorp
Classification: Uncertain significance for Immunodeficiency due to CD25 deficiency. Last evaluated: 2024-07-01. Review status: criteria provided, single submitter. Criteria: Invitae Variant Classification Sherloc (09022015). Collection method: clinical testing. Allele origin: germline.
Comment: This sequence change replaces valine, which is neutral and non-polar, with leucine, which is neutral and non-polar, at codon 241 of the IL2RA protein (p.Val241Leu). This variant is present in population databases (rs773200576, gnomAD 0.003%). This variant has not been reported in the literature in individuals affected with IL2RA-related conditions. ClinVar contains an entry for this variant (Variation ID: 1365348). Advanced modeling of protein sequence and biophysical properties (such as structural, functional, and spatial information, amino acid conservation, physicochemical variation, residue mobility, and thermodynamic stability) performed at Invitae indicates that this missense variant is not expected to disrupt IL2RA protein function with a negative predictive value of 80%. In summary, the available evidence is currently insufficient to determine the role of this variant in disease. Therefore, it has been classified as a Variant of Uncertain Significance.

NM_000417.3(IL2RA):c.721G>C (p.Val241Leu)

Gene: IL2RA (interleukin 2 receptor subunit alpha; minus strand). Cytogenetic location: 10p15.1.
Variant type: single nucleotide variant.
Coding change: c.721G>C on transcript NM_000417.3 (MANE Select); coding-DNA position 721, G replaced by C.
Protein change: p.Val241Leu; replaces valine 241 with leucine.
Molecular consequence: missense variant.
Genome position (GRCh38, 1-based): chr10:6,019,434, C>G on the plus strand (G>C on the coding strand, the complement: IL2RA is on the minus strand). VCF-style: chr10-6019434-C-G. GRCh37 (hg19) VCF-style: chr10-6061397-C-G.
Other names: c.505G>C, p.Val169Leu (NM_001308242.2); c.433G>C, p.Val145Leu (NM_001308243.2); short protein forms V145L, V169L, V241L.
Identifiers: ClinVar variation 1365348 (VCV001365348.6), dbSNP rs773200576, ClinGen allele CA5397341.
Genomic context (GRCh38, chr10:6,019,434, plus strand): 5'-GTCCATATCTCAGCCTGGTGTACATTTTGTCCACAAAGCCAGTGCCCCACTCACCTGCTA[C>G]CTGGTACTCTGTTGTAAATATGGACGTCTCCATGGTTGCAGCCATTTCTGTCTGTATTTG-3'
Protein context (NP_000408.1, residues 231-251): ETSIFTTEYQ[Val241Leu]AVAGCVFLLI